The following is an entry in ClinVar:

NM_000260.4(MYO7A):c.4983C>T (p.Asp1661=)

Gene: MYO7A (myosin VIIA; plus strand). Cytogenetic location: 11q13.5.
Variant type: single nucleotide variant.
Coding change: c.4983C>T on transcript NM_000260.4 (MANE Select); coding-DNA position 4983, C replaced by T.
Protein change: p.Asp1661=; no amino-acid change (aspartic acid 1661 retained).
Molecular consequence: synonymous variant.
Genome position (GRCh38, 1-based): chr11:77,201,578, C>T. VCF-style: chr11-77201578-C-T. GRCh37 (hg19) VCF-style: chr11-76912623-C-T.
Other names: c.4869C>T, p.Asp1623= (NM_001127180.2); c.4836C>T, p.Asp1612= (NM_001369365.1).
Identifiers: ClinVar variation 43267 (VCV000043267.21), dbSNP rs111033331, ClinGen allele CA132363.

ClinVar aggregate classification (germline): Likely benign. Review status: criteria provided, multiple submitters, no conflicts (2 of 4 stars). 6 submissions from 6 submitters: Likely benign (4). 2 of the submissions do not count toward it. Last evaluated 2026-01-28.

Conditions:
MYO7A-related disorder. Also called: MYO7A-related disorders.
Autosomal recessive nonsyndromic hearing loss 2. Also called: DEAFNESS, AUTOSOMAL RECESSIVE 2; NEUROSENSORY NONSYNDROMIC RECESSIVE DEAFNESS 2. Identifiers: Orphanet 90636, MedGen C1838701, MONDO:0010807, OMIM 600060.
Usher syndrome type 1 (USH1). Also called: RETINITIS PIGMENTOSA AND CONGENITAL DEAFNESS. Identifiers: Orphanet 231169, Orphanet 886, MedGen C1568247, MONDO:0010168, OMIM 276900.
Usher syndrome type 1B (USH1B). Also called: Usher syndrome type IB. Identifiers: MedGen C1848638, MONDO:0700087.

Allele frequency attached by ClinVar (database versions not stated): ExAC 0.00004; gnomAD exomes 0.00004 and 0.00008; gnomAD 0.00007 and 0.00008; TOPMed 0.00008.
gnomAD v4.1: 129 of 1,613,792 alleles (0.008%); highest among the groups gnomAD compares: Admixed American, 0.013%; no homozygotes.

Submissions (6):

Labcorp Genetics (formerly Invitae), Labcorp
Classification: Likely benign. Last evaluated: 2026-01-28. Review status: criteria provided, single submitter. Criteria: Invitae Variant Classification Sherloc (09022015). Collection method: clinical testing. Allele origin: germline.

PreventionGenetics, part of Exact Sciences
Classification: Likely benign for MYO7A-related condition. Last evaluated: 2024-12-18. Review status: criteria provided, single submitter. Criteria: ACMG Guidelines, 2015. Collection method: clinical testing. Allele origin: germline.
Comment: This variant is classified as likely benign based on ACMG/AMP sequence variant interpretation guidelines (Richards et al. 2015 PMID: 25741868, with internal and published modifications).

GeneDx
Classification: Likely benign. Last evaluated: 2020-12-21. Review status: criteria provided, single submitter. Criteria: GeneDx Variant Classification Process June 2021. Collection method: clinical testing. Allele origin: germline. Affected: yes.

Laboratory for Molecular Medicine, Mass General Brigham Personalized Medicine
Classification: Likely benign. Last evaluated: 2016-03-31. Review status: criteria provided, single submitter. Criteria: LMM Criteria. Collection method: clinical testing. Allele origin: germline. Observed: 2 variant alleles.
Comment: p.Asp1661Asp in exon 36 of MYO7A: This variant is not expected to have clinical significance because it does not alter an amino acid residue, is not located wit hin the splice consensus sequence. It has been identified in 5/66656 European c hromosomes by the Exome Aggregation Consortium (ExAC .org; dbSNP rs111033331)

Natera, Inc.
Classification: Likely benign for Usher syndrome type 1B. Last evaluated: 2020-09-16. Review status: no assertion criteria provided. Collection method: clinical testing. Allele origin: germline. Not counted in ClinVar's aggregate classification.

Counsyl
Classification: Uncertain significance for Usher syndrome type 1; Autosomal recessive nonsyndromic hearing loss 2. Last evaluated: 2016-12-20. Review status: no assertion criteria provided. Collection method: clinical testing. Allele origin: unknown. Not counted in ClinVar's aggregate classification.

Literature cited by the submitters: PubMed 20146813 (cited by Laboratory for Molecular Medicine, Mass General Brigham Personalized Medicine and Counsyl).